The following is an entry in ClinVar:

NM_030787.4(CFHR5):c.61del (p.Thr21fs)

Gene: CFHR5 (complement factor H related 5; plus strand). Cytogenetic location: 1q31.3.
Variant type: Deletion.
Coding change: c.61del on transcript NM_030787.4 (MANE Select); coding-DNA position 61, one base deleted (A; older notation c.61delA).
Protein change: p.Thr21fs; shifts the reading frame from threonine 21.
Molecular consequence: frameshift variant.
Genome position (GRCh38, 1-based): chr1:196,982,887, A deleted; the last of 2 consecutive A bases (chr1:196,982,886-196,982,887); deleting either gives the same sequence. VCF-style (leftmost placement, unchanged base first): chr1-196982885-GA-G. GRCh37 (hg19) VCF-style: chr1-196952015-GA-G.
Other names: short protein forms T21fs.
Identifiers: ClinVar variation 2066804 (VCV002066804.2), dbSNP rs764056849, ClinGen allele CA1307622.

ClinVar aggregate classification (germline): Uncertain significance. Review status: criteria provided, multiple submitters, no conflicts (2 of 4 stars). 2 submissions from 2 submitters: Uncertain significance (2). Last evaluated 2024-05-11.

Conditions:
C3 glomerulonephritis. Also called: Nephropathy due to CFHR5 Deficiency; C3 GLOMERULOPATHY 3. Identifiers: Orphanet 329931, MedGen C4055342, MONDO:0013892, OMIM 614809.

Submissions (2):

Fulgent Genetics
Classification: Uncertain significance for C3 glomerulonephritis. Last evaluated: 2024-05-11. Review status: criteria provided, single submitter. Criteria: ACMG Guidelines, 2015. Collection method: clinical testing. Allele origin: germline.

Labcorp Genetics (formerly Invitae), Labcorp
Classification: Uncertain significance. Last evaluated: 2022-04-01. Review status: criteria provided, single submitter. Criteria: Invitae Variant Classification Sherloc (09022015). Collection method: clinical testing. Allele origin: germline.
Comment: This sequence change creates a premature translational stop signal (p.Thr21Hisfs*50) in the CFHR5 gene. It is expected to result in an absent or disrupted protein product. However, the current clinical and genetic evidence is not sufficient to establish whether loss-of-function variants in CFHR5 cause disease. This variant is present in population databases (rs764056849, gnomAD 0.06%), and has an allele count higher than expected for a pathogenic variant. This variant has not been reported in the literature in individuals affected with CFHR5-related conditions. In summary, the available evidence is currently insufficient to determine the role of this variant in disease. Therefore, it has been classified as a Variant of Uncertain Significance.